The following is an entry in ClinVar:

ClinVar aggregate classification (germline): Uncertain significance. Review status: criteria provided, multiple submitters, no conflicts (2 of 4 stars). 2 submissions from 2 submitters: Uncertain significance (2). Last evaluated 2026-08-06.

Conditions:
Fanconi anemia (FA). Also called: Fanconi's anemia. Identifiers: Orphanet 84, MedGen C0015625, MeSH D005199, MONDO:0019391.

Allele frequency attached by ClinVar (database versions not stated): gnomAD exomes 0.00002 and 0.00001; ESP Exome Variant Server 0.00008; gnomAD 0.00001; TOPMed 0.00001; ExAC 0.00002.
gnomAD v4.1: 16 of 1,614,032 alleles (0.00099%); highest among the groups gnomAD compares: Non-Finnish European, 0.0014%; no homozygotes.

Submissions (2):

OLLIN Analises Genomicas, OLLIN
Classification: Uncertain significance. Last evaluated: 2026-08-06. Review status: criteria provided, single submitter. Criteria: ACMG Guidelines 2015 PMID 25741868. Collection method: clinical testing. Allele origin: germline.
Comment: This missense variant, located in exon 5 (of 38), has been reported in ClinVar (accession VCV000933569.8) and in gnomAD with an allele frequency of 0.00099%. However, to our knowledge, it has not been reported in the scientific literature. In silico analysis is inconclusive regarding the impact of this variant. This gene has high tolerance to missense variation. According to the currently available evidence, this variant has been classified as uncertain significance (PM2_P, BP1).

Labcorp Genetics (formerly Invitae), Labcorp
Classification: Uncertain significance for Fanconi anemia. Last evaluated: 2024-10-14. Review status: criteria provided, single submitter. Criteria: Invitae Variant Classification Sherloc (09022015). Collection method: clinical testing. Allele origin: germline.
Comment: This sequence change replaces leucine, which is neutral and non-polar, with proline, which is neutral and non-polar, at codon 121 of the FANCI protein (p.Leu121Pro). This variant is present in population databases (rs373184027, gnomAD 0.004%). This missense change has been observed in individual(s) with head and neck squamous cell carcinoma (PMID: 28678401). This missense change has been observed to co-occur in individuals with a different variant in FANCI that has been determined to be pathogenic (PMID: 28678401), but the significance of this finding is unclear. ClinVar contains an entry for this variant (Variation ID: 933569). Invitae Evidence Modeling of protein sequence and biophysical properties (such as structural, functional, and spatial information, amino acid conservation, physicochemical variation, residue mobility, and thermodynamic stability) indicates that this missense variant is not expected to disrupt FANCI protein function with a negative predictive value of 80%. In summary, the available evidence is currently insufficient to determine the role of this variant in disease. Therefore, it has been classified as a Variant of Uncertain Significance.

Literature cited by the submitters: PubMed 28678401 (cited by Labcorp Genetics (formerly Invitae), Labcorp).

NM_001113378.2(FANCI):c.362T>C (p.Leu121Pro)

Gene: FANCI (FA complementation group I; plus strand). Cytogenetic location: 15q26.1.
Variant type: single nucleotide variant.
Coding change: c.362T>C on transcript NM_001113378.2 (MANE Select); coding-DNA position 362, T replaced by C.
Protein change: p.Leu121Pro; replaces leucine 121 with proline.
Molecular consequence: missense variant.
Genome position (GRCh38, 1-based): chr15:89,261,658, T>C. VCF-style: chr15-89261658-T-C. GRCh37 (hg19) VCF-style: chr15-89804889-T-C.
Other names: c.83T>C, p.Leu28Pro (NM_001376910.1); c.362T>C, p.Leu121Pro (NM_001376911.1, NM_018193.3); short protein forms L28P, L121P.
Identifiers: ClinVar variation 933569 (VCV000933569.9), dbSNP rs373184027, ClinGen allele CA7722595.